The following is an entry in ClinVar:

ClinVar aggregate classification (germline): Uncertain significance (1 of 4 stars; one submission).

Conditions:
LAMA2-related muscular dystrophy (LAMA2-RD). Also called: Laminin alpha 2-related dystrophy. Identifiers: MedGen C5679788, MONDO:0100228.

Submission:

Labcorp Genetics (formerly Invitae), Labcorp
Classification: Uncertain significance for LAMA2-related muscular dystrophy. Last evaluated: 2022-10-28. Review status: criteria provided, single submitter. Criteria: Invitae Variant Classification Sherloc (09022015). Collection method: clinical testing. Allele origin: germline.
Comment: In summary, the available evidence is currently insufficient to determine the role of this variant in disease. Therefore, it has been classified as a Variant of Uncertain Significance. Variants that disrupt the consensus splice site are a relatively common cause of aberrant splicing (PMID: 17576681, 9536098). Algorithms developed to predict the effect of sequence changes on RNA splicing suggest that this variant may disrupt the consensus splice site. ClinVar contains an entry for this variant (Variation ID: 1349738). This variant has not been reported in the literature in individuals affected with LAMA2-related conditions. This variant is not present in population databases (gnomAD no frequency). This sequence change falls in intron 12 of the LAMA2 gene. It does not directly change the encoded amino acid sequence of the LAMA2 protein. It affects a nucleotide within the consensus splice site.

Literature cited by the submitters: PubMed 17576681; PubMed 9536098.

NM_000426.4(LAMA2):c.1782+5G>C

Gene: LAMA2 (laminin subunit alpha 2; plus strand). Cytogenetic location: 6q22.33.
Variant type: single nucleotide variant.
Coding change: c.1782+5G>C on transcript NM_000426.4 (MANE Select); 5 bases into the intron after coding-DNA position 1782, G replaced by C.
Molecular consequence: intron variant.
Genome position (GRCh38, 1-based): chr6:129,192,858, G>C. VCF-style: chr6-129192858-G-C. GRCh37 (hg19) VCF-style: chr6-129514003-G-C.
Other names: c.1782+5G>C (NM_001079823.2).
Identifiers: ClinVar variation 1349738 (VCV001349738.6), dbSNP rs2115037269, ClinGen allele CA2573140443.
Genomic context (GRCh38, chr6:129,192,858, plus strand): 5'-AAGCCCTGCCGCACAGCTACTACTGGAGCGCGCCGGCTCCCTATCTGGGAAACAAAGTAA[G>C]TCCACGCTTGCTTCCCGCTATTCTGCTTTAACTGACTGATCGTGAGAATGGGTTTTAGTT-3'